The following is an entry in ClinVar:

ClinVar aggregate classification (germline): Uncertain significance (1 of 4 stars; one submission).

Conditions:
Developmental and epileptic encephalopathy, 72. Also called: EPILEPTIC ENCEPHALOPATHY, EARLY INFANTILE, 72. Identifiers: MedGen C5193063, MONDO:0032710, OMIM 618374.

Submission:

MVZ Medizinische Genetik Mainz
Classification: Uncertain significance for Developmental and epileptic encephalopathy, 72. Last evaluated: 2026-08-10. Review status: criteria provided, single submitter. Criteria: UK Practice Guidelines For Variant Classification V4 01 2020. Collection method: clinical testing. Allele origin: germline. Inheritance: Autosomal dominant inheritance. Affected: yes. Observed: 1 variant allele.
Comment: ACMG Criteria: PP3_STR,PM2_SUP

NM_006160.4(NEUROD2):c.397C>A (p.Arg133Ser)

Gene: NEUROD2 (neuronal differentiation 2; minus strand). Cytogenetic location: 17q12.
Variant type: single nucleotide variant.
Coding change: c.397C>A on transcript NM_006160.4 (MANE Select); coding-DNA position 397, C replaced by A.
Protein change: p.Arg133Ser; replaces arginine 133 with serine.
Molecular consequence: missense variant.
Genome position (GRCh38, 1-based): chr17:39,606,203, G>T on the plus strand (C>A on the coding strand, the complement: NEUROD2 is on the minus strand). VCF-style: chr17-39606203-G-T. GRCh37 (hg19) VCF-style: chr17-37762456-G-T.
Other names: short protein forms R133S.
Identifiers: ClinVar variation 4887014 (VCV004887014.1).